The following is an entry in ClinVar:

NM_000283.4(PDE6B):c.1585G>A (p.Val529Met)

Gene: PDE6B (phosphodiesterase 6B; plus strand). Cytogenetic location: 4p16.3.
Variant type: single nucleotide variant.
Coding change: c.1585G>A on transcript NM_000283.4 (MANE Select); coding-DNA position 1585, G replaced by A.
Protein change: p.Val529Met; replaces valine 529 with methionine.
Molecular consequence: missense variant.
Genome position (GRCh38, 1-based): chr4:660,584, G>A. VCF-style: chr4-660584-G-A. GRCh37 (hg19) VCF-style: chr4-654373-G-A.
Other names: c.1585G>A, p.Val529Met (NM_001145291.2, NM_001440547.1, NM_001440548.1); c.748G>A, p.Val250Met (NM_001145292.2, NM_001350154.3, NM_001379246.1 and 1 more transcripts); c.430G>A, p.Val144Met (NM_001350155.3); short protein forms V144M, V250M, V529M.
Identifiers: ClinVar variation 5020283 (VCV005020283.1).
Genomic context (GRCh38, chr4:660,584, plus strand): 5'-CTGGAGTGCACCGAACTGGACCTGGTCAAATGTGGCATCCAGATGTACTACGAGCTGGGC[G>A]TGGTCCGAAAGTTCCAGATCCCCCAGGAGGTGGGAGACACCGCAGGGCGCATAGTCAGGT-3'
Protein context (NP_000274.3, residues 519-539): CGIQMYYELG[Val529Met]VRKFQIPQEV

ClinVar aggregate classification (germline): Uncertain significance (1 of 4 stars; one submission).

Conditions:
Retinitis pigmentosa 40 (RP40). Identifiers: Orphanet 791, MedGen C3151107, MONDO:0013429, OMIM 613801.

Submission:

Dasa
Classification: Uncertain significance for Retinitis pigmentosa 40. Last evaluated: 2026-06-30. Review status: criteria provided, single submitter. Criteria: DASA Assertion Criteria. Collection method: clinical testing. Allele origin: germline.
Comment: NM_000283.4(PDE6B):c.1585G>A (p.Val529Met) is a missense variant that results in the substitution of valine with methionine. This variant is rare in population databases. The currently available literature and clinical evidence are not sufficient to establish a definitive association between this variant and the reported condition. Therefore, this variant is classified as a variant of uncertain significance.